The following is an entry in ClinVar:

ClinVar aggregate classification (germline): Uncertain significance. Review status: criteria provided, single submitter (1 of 4 stars). 2 submissions from 2 submitters: Uncertain significance (1). 1 of the submissions does not count toward it. Last evaluated 2022-07-19.

Conditions:
Zellweger spectrum disorders (ZS). Also called: Zellweger syndrome; Zellweger Spectrum Disorder (ZSD); Zellweger Spectrum Disorder; Zellweger Spectrum. Identifiers: Orphanet 912, MedGen C0043459, MONDO:0019609.
Peroxisome biogenesis disorder. Identifiers: Orphanet 79189, MedGen C1832200, MONDO:0019234. Disease mechanism: loss of function.

Allele frequency attached by ClinVar (database versions not stated): TOPMed below 0.00001; gnomAD exomes 0.00001.
gnomAD v4.1: 17 of 1,613,980 alleles (0.0011%); highest among the groups gnomAD compares: East Asian, 0.0045%; no homozygotes.

Submissions (2):

Labcorp Genetics (formerly Invitae), Labcorp
Classification: Uncertain significance for Peroxisome biogenesis disorder. Last evaluated: 2022-07-19. Review status: criteria provided, single submitter. Criteria: Invitae Variant Classification Sherloc (09022015). Collection method: clinical testing. Allele origin: germline.
Comment: This sequence change replaces arginine, which is basic and polar, with tryptophan, which is neutral and slightly polar, at codon 343 of the PEX6 protein (p.Arg343Trp). This variant is present in population databases (no rsID available, gnomAD 0.006%). This variant has not been reported in the literature in individuals affected with PEX6-related conditions. Algorithms developed to predict the effect of missense changes on protein structure and function are either unavailable or do not agree on the potential impact of this missense change (SIFT: "Deleterious"; PolyPhen-2: "Benign"; Align-GVGD: "Class C0"). In summary, the available evidence is currently insufficient to determine the role of this variant in disease. Therefore, it has been classified as a Variant of Uncertain Significance.

Natera, Inc.
Classification: Uncertain significance for Zellweger syndrome. Last evaluated: 2020-12-07. Review status: no assertion criteria provided. Collection method: clinical testing. Allele origin: germline. Not counted in ClinVar's aggregate classification.

NM_000287.4(PEX6):c.1027C>T (p.Arg343Trp)

Gene: PEX6 (peroxisomal biogenesis factor 6; minus strand). Cytogenetic location: 6p21.1.
Variant type: single nucleotide variant.
Coding change: c.1027C>T on transcript NM_000287.4 (MANE Select); coding-DNA position 1027, C replaced by T.
Protein change: p.Arg343Trp; replaces arginine 343 with tryptophan.
Molecular consequence: missense variant. On other transcripts: non-coding transcript variant (1).
Genome position (GRCh38, 1-based): chr6:42,974,894, G>A on the plus strand (C>T on the coding strand, the complement: PEX6 is on the minus strand). VCF-style: chr6-42974894-G-A. GRCh37 (hg19) VCF-style: chr6-42942632-G-A.
Other names: c.763C>T, p.Arg255Trp (NM_001316313.2); short protein forms R255W, R343W.
Identifiers: ClinVar variation 1017005 (VCV001017005.5), dbSNP rs977542433, ClinGen allele CA138231836.